The following is an entry in ClinVar:

ClinVar aggregate classification (germline): Likely pathogenic (1 of 4 stars; one submission).

Submission:

CeGaT Center for Human Genetics Tuebingen
Classification: Likely pathogenic. Last evaluated: 2026-06-01. Review status: criteria provided, single submitter. Criteria: CeGaT Center For Human Genetics Tuebingen Variant Classification Criteria Version 2. Collection method: clinical testing. Allele origin: germline. Affected: yes. Observed: 1 variant allele.
Comment: BCL11A: PVS1:Strong, PM2

NM_022893.4(BCL11A):c.2050_2059dup (p.Ser687fs)

Gene: BCL11A (BCL11 transcription factor A; minus strand). Cytogenetic location: 2p16.1.
Variant type: Duplication.
Coding change: c.2050_2059dup on transcript NM_022893.4 (MANE Select); coding-DNA positions 2050 to 2059, 10 bases duplicated (TTTGCCTCCT; older notation c.2050_2059dupTTTGCCTCCT).
Protein change: p.Ser687fs; shifts the reading frame from serine 687.
Molecular consequence: frameshift variant. On other transcripts: intron variant (6).
Genome position (GRCh38, 1-based): chr2:60,460,853-60,460,862, AGGAGGCAAA duplicated on the plus strand (TTTGCCTCCT on the coding strand, the reverse complement: BCL11A is on the minus strand); duplicating any 10 consecutive bases within chr2:60,460,853-60,460,865 gives the same sequence; the c. name uses the placement nearest the transcript's 3' end. VCF-style (leftmost placement, unchanged base first): chr2-60460852-G-GAGGAGGCAAA. GRCh37 (hg19) VCF-style: chr2-60687987-G-GAGGAGGCAAA.
Other names: c.1948_1957dup, p.Ser653fs (NM_001405711.1, NM_001405712.1, NM_001405719.1 and 2 more transcripts); c.1894_1903dup, p.Ser635fs (NM_001405713.1, NM_001405714.1, NM_001405715.1 and 3 more transcripts); c.1792_1801dup, p.Ser601fs (NM_001405717.1, NM_001405718.1, NM_001405724.1); c.1717_1726dup, p.Ser576fs (NM_001405720.1, NM_001405721.1); c.1594_1603dup, p.Ser535fs (NM_001405725.1, NM_001405726.1, NM_001405727.1 and 1 more transcripts); c.1357_1366dup, p.Ser456fs (NM_001405729.1); c.1513_1522dup, p.Ser508fs (NM_001405730.1); c.1057_1066dup, p.Ser356fs (NM_001405731.1); and 5 more; short protein forms S356fs, S456fs, S508fs, S535fs, S576fs, S601fs, S635fs, S653fs.
Identifiers: ClinVar variation 4875148 (VCV004875148.2).